The following is an entry in ClinVar:

NM_182914.3(SYNE2):c.16302G>A (p.Glu5434=)

Gene: SYNE2 (spectrin repeat containing nuclear envelope protein 2; plus strand). Cytogenetic location: 14q23.2.
Variant type: single nucleotide variant.
Coding change: c.16302G>A on transcript NM_182914.3 (MANE Select); coding-DNA position 16302, G replaced by A.
Protein change: p.Glu5434=; no amino-acid change (glutamic acid 5434 retained).
Molecular consequence: synonymous variant.
Genome position (GRCh38, 1-based): chr14:64,163,404, G>A. VCF-style: chr14-64163404-G-A. GRCh37 (hg19) VCF-style: chr14-64630122-G-A.
Other names: c.16302G>A, p.Glu5434= (NM_015180.6).
Identifiers: ClinVar variation 2147073 (VCV002147073.5), dbSNP rs763730249, ClinGen allele CA7223345.
Genomic context (GRCh38, chr14:64,163,404, plus strand): 5'-TAGGGAATTGTGGTTTGAAAGGAGGAAGAGGTGTTTGCCATCCCTTTTTCTTCTGCAGGA[G>A]CTGCAGCATGATGTGCAGAAAACAAAAGAAGCCTTTCTCCAAAATTCCAGTGTCCTGGAT-3'
Protein context (NP_878918.2, residues 5424-5444): ILPPALQDIK[Glu5434=]LQHDVQKTKE

ClinVar aggregate classification (germline): Conflicting classifications of pathogenicity. Review status: criteria provided, conflicting classifications (1 of 4 stars). 2 submissions from 2 submitters: Uncertain significance (1); Likely benign (1). Last evaluated 2025-05-09.

Conditions:
Emery-Dreifuss muscular dystrophy 5, autosomal dominant (EDMD5). Also called: EMERY-DREIFUSS MUSCULAR DYSTROPHY 5. Identifiers: Orphanet 261, MedGen C2751805, MONDO:0013072, OMIM 612999.

Allele frequency attached by ClinVar (database versions not stated): ExAC 0.00002.
gnomAD v4.1: 10 of 1,613,828 alleles (0.00062%); highest among the groups gnomAD compares: Non-Finnish European, 0.00085%; no homozygotes.

Submissions (2):

Women's Health and Genetics/Laboratory Corporation of America, LabCorp
Classification: Uncertain significance. Last evaluated: 2025-05-09. Review status: criteria provided, single submitter. Criteria: LabCorp Variant Classification Summary - May 2015. Collection method: clinical testing. Allele origin: germline.
Comment: Variant summary: SYNE2 c.16302G>A (p.Glu5434Glu) alters a non-conserved nucleotide located close to a canonical splice site and therefore could affect mRNA splicing, leading to a significantly altered protein sequence. Consensus agreement among computation tools predict no significant impact on normal splicing. However, these predictions have yet to be confirmed by functional studies. The variant allele was found at a frequency of 8e-06 in 251248 control chromosomes. The available data on variant occurrences in the general population are insufficient to allow any conclusion about variant significance. To our knowledge, no occurrence of c.16302G>A in individuals affected with Emery-Dreifuss muscular dystrophy 5, autosomal dominant and no experimental evidence demonstrating its impact on protein function have been reported. ClinVar contains an entry for this variant (Variation ID: 2147073). Based on the evidence outlined above, the variant was classified as uncertain significance.

Labcorp Genetics (formerly Invitae), Labcorp
Classification: Likely benign for Emery-Dreifuss muscular dystrophy 5, autosomal dominant. Last evaluated: 2022-04-07. Review status: criteria provided, single submitter. Criteria: Invitae Variant Classification Sherloc (09022015). Collection method: clinical testing. Allele origin: germline.